The following is an entry in ClinVar:

NM_002519.3(NPAT):c.3072-1G>C

Gene: NPAT (nuclear protein, coactivator of histone transcription; minus strand). Cytogenetic location: 11q22.3.
Variant type: single nucleotide variant.
Coding change: c.3072-1G>C on transcript NM_002519.3 (MANE Select); the canonical splice acceptor site of the intron before coding-DNA position 3072, G replaced by C.
Molecular consequence: splice acceptor variant. On other transcripts: missense variant (1).
Genome position (GRCh38, 1-based): chr11:108,162,015, C>G on the plus strand (G>C on the coding strand, the complement: NPAT is on the minus strand). VCF-style: chr11-108162015-C-G. GRCh37 (hg19) VCF-style: chr11-108032742-C-G.
Other names: c.3092G>C, p.Arg1031Thr (NM_001321307.1); short protein forms R1031T.
Identifiers: ClinVar variation 3717152 (VCV003717152.2).
Genomic context (GRCh38, chr11:108,162,015, plus strand): 5'-GTGGTTTCTTCTGATTTTTTCCCAAGATCTGTGGCAATACTTTTGTCAGAAACTTCAGTT[C>G]TAAAACAAAACAAAACAAAACTATTTCTAGCAGCATAAAGAAATCCTTTATGTTTTAAAT-3'

ClinVar aggregate classification (germline): Uncertain significance (1 of 4 stars; one submission).

gnomAD v4.1: 15 of 1,610,482 alleles (0.00093%); no homozygotes.

Submission:

Labcorp Genetics (formerly Invitae), Labcorp
Classification: Uncertain significance. Last evaluated: 2024-08-27. Review status: criteria provided, single submitter. Criteria: Invitae Variant Classification Sherloc (09022015). Collection method: clinical testing. Allele origin: germline.
Comment: This sequence change affects an acceptor splice site in intron 16 of the NPAT gene. It is expected to disrupt RNA splicing. Variants that disrupt the donor or acceptor splice site typically lead to a loss of protein function (PMID: 16199547), however the current clinical and genetic evidence is not sufficient to establish whether loss-of-function variants in NPAT cause disease. This variant is present in population databases (rs775247519, gnomAD 0.05%). This variant has not been reported in the literature in individuals affected with NPAT-related conditions. Algorithms developed to predict the effect of sequence changes on RNA splicing suggest that this variant may disrupt the consensus splice site. In summary, the available evidence is currently insufficient to determine the role of this variant in disease. Therefore, it has been classified as a Variant of Uncertain Significance.

Literature cited by the submitters: PubMed 16199547.